The following is an entry in ClinVar:

ClinVar aggregate classification (germline): Uncertain significance (1 of 4 stars; one submission).

Submission:

GeneDx
Classification: Uncertain significance. Last evaluated: 2022-03-17. Review status: criteria provided, single submitter. Criteria: GeneDx Variant Classification Process June 2021. Collection method: clinical testing. Allele origin: germline. Affected: yes.
Comment: Not observed at significant frequency in large population cohorts (gnomAD); In silico analysis supports that this missense variant does not alter protein structure/function; Has not been previously published as pathogenic or benign to our knowledge

NM_001291303.3(FAT4):c.151G>C (p.Val51Leu)

Gene: FAT4 (FAT atypical cadherin 4; plus strand). Cytogenetic location: 4q28.1.
Variant type: single nucleotide variant.
Coding change: c.151G>C on transcript NM_001291303.3 (MANE Select); coding-DNA position 151, G replaced by C.
Protein change: p.Val51Leu; replaces valine 51 with leucine.
Molecular consequence: missense variant.
Genome position (GRCh38, 1-based): chr4:125,316,562, G>C. VCF-style: chr4-125316562-G-C. GRCh37 (hg19) VCF-style: chr4-126237717-G-C.
Other names: c.151G>C, p.Val51Leu (NM_001291285.3, NM_024582.6); short protein forms V51L.
Identifiers: ClinVar variation 1706128 (VCV001706128.2), dbSNP rs1393793660, ClinGen allele CA358115207.